The following is an entry in ClinVar:

NM_022041.4(GAN):c.1745G>T (p.Arg582Leu)

Gene: GAN (gigaxonin; plus strand). Cytogenetic location: 16q23.2.
Variant type: single nucleotide variant.
Coding change: c.1745G>T on transcript NM_022041.4 (MANE Select); coding-DNA position 1745, G replaced by T.
Protein change: p.Arg582Leu; replaces arginine 582 with leucine.
Molecular consequence: missense variant.
Genome position (GRCh38, 1-based): chr16:81,377,547, G>T. VCF-style: chr16-81377547-G-T. GRCh37 (hg19) VCF-style: chr16-81411152-G-T.
Other names: c.1106G>T, p.Arg369Leu (NM_001377486.1); short protein forms R582L, R369L.
Identifiers: ClinVar variation 1989772 (VCV001989772.5), dbSNP rs773845697, ClinGen allele CA8191874.
Genomic context (GRCh38, chr16:81,377,547, plus strand): 5'-CATCCGACCTTCGCCGTACAGGATGTGCAGCCTTACGCATTGCGAATTGCAAGCTTTTCC[G>T]CCTGCAGCTTCAGCAAGGCTTATTCCGTATTCGTGTTCATTCCCCTTGAGGAGGAAGCAG-3'
Protein context (NP_071324.1, residues 572-592): ALRIANCKLF[Arg582Leu]LQLQQGLFRI

ClinVar aggregate classification (germline): Uncertain significance. Review status: criteria provided, multiple submitters, no conflicts (2 of 4 stars). 2 submissions from 2 submitters: Uncertain significance (2). Last evaluated 2026-03-04.

Conditions:
Giant axonal neuropathy 1 (GAN1). Also called: GIANT AXONAL NEUROPATHY 1, AUTOSOMAL RECESSIVE; GAN-Related Neurodegeneration. Identifiers: Orphanet 643, MedGen C1850386, MONDO:0009749, OMIM 256850.

Allele frequency attached by ClinVar (database versions not stated): gnomAD 0.00001.
gnomAD v4.1: 8 of 1,614,046 alleles (0.0005%); highest among the groups gnomAD compares: Non-Finnish European, 0.000085%; no homozygotes.

Submissions (2):

GeneDx
Classification: Uncertain significance. Last evaluated: 2026-03-04. Review status: criteria provided, single submitter. Criteria: GeneDx Variant Classification Process June 2021. Collection method: clinical testing. Allele origin: germline.
Comment: In silico analysis supports that this missense variant has a deleterious effect on protein structure/function; Has not been previously published as pathogenic or benign to our knowledge

Labcorp Genetics (formerly Invitae), Labcorp
Classification: Uncertain significance for Giant axonal neuropathy 1. Last evaluated: 2022-07-08. Review status: criteria provided, single submitter. Criteria: Invitae Variant Classification Sherloc (09022015). Collection method: clinical testing. Allele origin: germline.
Comment: This variant has not been reported in the literature in individuals affected with GAN-related conditions. In summary, the available evidence is currently insufficient to determine the role of this variant in disease. Therefore, it has been classified as a Variant of Uncertain Significance. Algorithms developed to predict the effect of missense changes on protein structure and function are either unavailable or do not agree on the potential impact of this missense change (SIFT: "Deleterious"; PolyPhen-2: "Benign"; Align-GVGD: "Class C0"). This variant is present in population databases (rs773845697, gnomAD 0.008%). This sequence change replaces arginine, which is basic and polar, with leucine, which is neutral and non-polar, at codon 582 of the GAN protein (p.Arg582Leu).